The following is an entry in ClinVar:

ClinVar aggregate classification (germline): Likely pathogenic (1 of 4 stars; one submission).

Conditions:
Glaucoma 3, primary congenital, E (GLC3E). Identifiers: MedGen C4310639, MONDO:0014998, OMIM 617272.

Submission:

New York Genome Center
Classification: Likely pathogenic for Glaucoma 3, primary congenital, E. Last evaluated: 2023-02-23. Review status: criteria provided, single submitter. Criteria: NYGC Assertion Criteria 2020. Collection method: clinical testing. Allele origin: de novo. Observed: 1 heterozygote. Study: PrenatalSEQ.
Comment: The c.3200+1G>A variant in TEK has not previously been reported in the literature or public variant repositories (ClinVar and LOVD), and is absent from population databases (gnomAD v2.1.1 and v3.1.2, TOPMed Freeze 8), suggesting it is not a common benign variant in the populations represented in those databases.The c.3200+1G>A variant in TEK is located in the canonical splice donor site of exon 21 of this 23-exon gene, and is predicted to result in loss of native splice donor site and introduce a cryptic splice donor site 3 bp upstream of the variant (splice AI= 0.94 (DL); 0.37 (DG)), which might result in disruption of open reading frame and incorporation of premature stop codon that is 100 bp upstream of the penultimate exon-intron junction, hence lead to loss-of-function via nonsense mediated decay; however, there are no functional studies to support or refute these predictions. Another downstream canonical splice site variant (c.3300+2delT) was reported in an individual with congenital onset bilateral glaucoma (PMID: 27270174] and downstream loss-of function variants identified in individuals with early onset glaucoma have been deposited in ClinVar [ClinVar IDs= 1687360, 1333465]. Based on available evidence this de novo c.3200+1G>A variant identified in TEK is classified as Likely Pathogenic.

NM_000459.5(TEK):c.3200+1G>A

Gene: TEK (TEK receptor tyrosine kinase; plus strand). Cytogenetic location: 9p21.2.
Variant type: single nucleotide variant.
Coding change: c.3200+1G>A on transcript NM_000459.5 (MANE Select); the canonical splice donor site of the intron after coding-DNA position 3200, G replaced by A.
Molecular consequence: splice donor variant.
Genome position (GRCh38, 1-based): chr9:27,220,146, G>A. VCF-style: chr9-27220146-G-A. GRCh37 (hg19) VCF-style: chr9-27220144-G-A.
Other names: c.3071+1G>A (NM_001290077.2); c.2756+1G>A (NM_001290078.2); c.3197+1G>A (NM_001375475.1); c.3068+1G>A (NM_001375476.1).
Identifiers: ClinVar variation 3235894 (VCV003235894.1), dbSNP rs2489010435, ClinGen allele CA373128222.